The following is an entry in ClinVar:

ClinVar aggregate classification (germline): Uncertain significance (1 of 4 stars; one submission).

Conditions:
Autoimmune lymphoproliferative syndrome type 1. Also called: AUTOIMMUNE LYMPHOPROLIFERATIVE SYNDROME, TYPE I, AUTOSOMAL DOMINANT. Identifiers: Orphanet 3261, MedGen C2717884, MONDO:0011158, OMIM 601859.

Allele frequency attached by ClinVar (database versions not stated): gnomAD exomes below 0.00001.
gnomAD v4.1: 1 of 1,613,820 alleles (0.000062%); highest among the groups gnomAD compares: Admixed American, 0.0017%; no homozygotes.

Submission:

Labcorp Genetics (formerly Invitae), Labcorp
Classification: Uncertain significance for Autoimmune lymphoproliferative syndrome. Last evaluated: 2025-08-21. Review status: criteria provided, single submitter. Criteria: Invitae Variant Classification Sherloc (09022015). Collection method: clinical testing. Allele origin: germline.
Comment: This sequence change replaces valine, which is neutral and non-polar, with phenylalanine, which is neutral and non-polar, at codon 239 of the FAS protein (p.Val239Phe). This variant is present in population databases (no rsID available, gnomAD 0.003%). This variant has not been reported in the literature in individuals affected with FAS-related conditions. ClinVar contains an entry for this variant (Variation ID: 2007233). Invitae Evidence Modeling of protein sequence and biophysical properties (such as structural, functional, and spatial information, amino acid conservation, physicochemical variation, residue mobility, and thermodynamic stability) has been performed for this missense variant. However, the output from this modeling did not meet the statistical confidence thresholds required to predict the impact of this variant on FAS protein function. In summary, the available evidence is currently insufficient to determine the role of this variant in disease. Therefore, it has been classified as a Variant of Uncertain Significance.

NM_000043.6(FAS):c.715G>T (p.Val239Phe)

Gene: FAS (Fas cell surface death receptor; plus strand). Cytogenetic location: 10q23.31.
Variant type: single nucleotide variant.
Coding change: c.715G>T on transcript NM_000043.6 (MANE Select); coding-DNA position 715, G replaced by T.
Protein change: p.Val239Phe; replaces valine 239 with phenylalanine.
Molecular consequence: missense variant. On other transcripts: 3 prime UTR variant (2), non-coding transcript variant (7).
Genome position (GRCh38, 1-based): chr10:89,014,157, G>T. VCF-style: chr10-89014157-G-T. GRCh37 (hg19) VCF-style: chr10-90773914-G-T.
Other names: c.*38G>T (NM_001320619.2); c.760G>T, p.Val254Phe (NM_001410956.1); c.652G>T, p.Val218Phe (NM_152871.4); c.*27G>T (NM_152872.4); short protein forms V239F, V254F, V218F.
Identifiers: ClinVar variation 2007233 (VCV002007233.4), dbSNP rs1213958352, ClinGen allele CA377509629.